The following is an entry in ClinVar:

ClinVar aggregate classification (germline): Likely benign (0 of 4 stars; one submission).

Conditions:
PTK7-related disorder. Also called: PTK7-related condition.

gnomAD v4.1: 1,564 of 1,614,168 alleles (0.097%); highest among the groups gnomAD compares: Admixed American, 0.2%; no homozygotes.

Submission:

PreventionGenetics, part of Exact Sciences
Classification: Likely benign for PTK7-related condition. Last evaluated: 2024-03-13. Review status: no assertion criteria provided. Collection method: clinical testing. Allele origin: germline.
Comment: This variant is classified as likely benign based on ACMG/AMP sequence variant interpretation guidelines (Richards et al. 2015 PMID: 25741868, with internal and published modifications).

NM_002821.5(PTK7):c.2024C>T (p.Thr675Met)

Gene: PTK7 (protein tyrosine kinase 7 (inactive); plus strand). Cytogenetic location: 6p21.1.
Variant type: single nucleotide variant.
Coding change: c.2024C>T on transcript NM_002821.5 (MANE Select); coding-DNA position 2024, C replaced by T.
Protein change: p.Thr675Met; replaces threonine 675 with methionine.
Molecular consequence: missense variant. On other transcripts: non-coding transcript variant (2), intron variant (1).
Genome position (GRCh38, 1-based): chr6:43,142,276, C>T. VCF-style: chr6-43142276-C-T. GRCh37 (hg19) VCF-style: chr6-43110014-C-T.
Other names: c.2048C>T, p.Thr683Met (NM_001270398.2); c.1904C>T, p.Thr635Met (NM_152880.4); c.1634C>T, p.Thr545Met (NM_152881.4); c.1879+235C>T (NM_152882.4); short protein forms T545M, T635M, T675M, T683M.
Identifiers: ClinVar variation 3351010 (VCV003351010.1).